The following is an entry in ClinVar:

NM_001106.4(ACVR2B):c.*4741T>C

Gene: ACVR2B (activin A receptor type 2B; plus strand). Cytogenetic location: 3p22.2.
Variant type: single nucleotide variant.
Coding change: c.*4741T>C on transcript NM_001106.4 (MANE Select); 4741 bases downstream of the stop codon, T replaced by C.
Molecular consequence: 3 prime UTR variant.
Genome position (GRCh38, 1-based): chr3:38,488,073, T>C. VCF-style: chr3-38488073-T-C. GRCh37 (hg19) VCF-style: chr3-38529564-T-C.
Identifiers: ClinVar variation 902135 (VCV000902135.4), dbSNP rs571225213, ClinGen allele CA72932130.
Genomic context (GRCh38, chr3:38,488,073, plus strand): 5'-TCTACCCTTCATCCTGGGCGAACAGCCAAAAAGAGAAGGGGACAAGGTGTCTTTTTCTCC[T>C]TCTCACTGGGGTGACATGAATTCTTTTAGTTAATGGCTGTTTGCAAATTCTAAACTAATG-3'

ClinVar aggregate classification (germline): Likely benign (1 of 4 stars; one submission).

Conditions:
Heterotaxy, visceral, 4, autosomal (HTX4). Identifiers: Orphanet 450, MedGen C3151057, MONDO:0013403, OMIM 613751.

Allele frequency attached by ClinVar (database versions not stated): 1000 Genomes Project 0.00040; 1000 Genomes Project 30x 0.00062; gnomAD 0.00088 and 0.00098; TOPMed 0.00100.

Submission:

Illumina Laboratory Services, Illumina
Classification: Likely benign for Heterotaxy, visceral, 4, autosomal. Last evaluated: 2018-01-13. Review status: criteria provided, single submitter. Criteria: ICSL Variant Classification Criteria 13 December 2019. Collection method: clinical testing. Allele origin: germline.
Comment: This variant was observed in the ICSL laboratory as part of a predisposition screen in an ostensibly healthy population. It had not been previously curated by ICSL or reported in the Human Gene Mutation Database (HGMD: prior to June 1st, 2018), and was therefore a candidate for classification through an automated scoring system. Utilizing variant allele frequency, disease prevalence and penetrance estimates, and inheritance mode, an automated score was calculated to assess if this variant is too frequent to cause the disease. Based on the score and internal cut-off values, a variant classified as likely benign is not then subjected to further curation. The score for this variant resulted in a classification of likely benign for this disease.